The following is an entry in ClinVar:

NM_018139.3(DNAAF2):c.1627A>T (p.Ile543Phe)

Genes: DNAAF2 (dynein axonemal assembly factor 2; minus strand), LOC130055541 (ATAC-STARR-seq lymphoblastoid active region 8320; plus strand). Cytogenetic location: 14q21.3.
Variant type: single nucleotide variant.
Coding change: c.1627A>T on transcript NM_018139.3 (MANE Select); coding-DNA position 1627, A replaced by T.
Protein change: p.Ile543Phe; replaces isoleucine 543 with phenylalanine.
Molecular consequence: missense variant. On other transcripts: 5 prime UTR variant (1).
Genome position (GRCh38, 1-based): chr14:49,633,523, T>A on the plus strand (A>T on the coding strand, the complement: DNAAF2 is on the minus strand). VCF-style: chr14-49633523-T-A. GRCh37 (hg19) VCF-style: chr14-50100241-T-A.
Other names: c.1627A>T, p.Ile543Phe (NM_001083908.2); c.-245A>T (NM_001378453.1); short protein forms I543F.
Identifiers: ClinVar variation 4988452 (VCV004988452.1).

ClinVar aggregate classification (germline): Uncertain significance (1 of 4 stars; one submission).

Conditions:
DNAAF2-related disorder. Also called: DNAAF2-related condition.

Submission:

PreventionGenetics, part of Exact Sciences
Classification: Uncertain significance for DNAAF2-related condition. Last evaluated: 2025-03-12. Review status: criteria provided, single submitter. Criteria: ACMG Guidelines, 2015. Collection method: clinical testing. Allele origin: germline.
Comment: The DNAAF2 c.1627A>T variant is predicted to result in the amino acid substitution p.Ile543Phe. To our knowledge, this variant has not been reported in the literature. This variant is reported in 0.0029% of alleles in individuals of Latino descent in gnomAD. At this time, the clinical significance of this variant is uncertain due to the absence of conclusive functional and genetic evidence.